The following is an entry in ClinVar:

ClinVar aggregate classification (germline): Uncertain significance. Review status: criteria provided, multiple submitters, no conflicts (2 of 4 stars). 3 submissions from 3 submitters: Uncertain significance (2). 1 of the submissions does not count toward it. Last evaluated 2024-03-18.

Conditions:
Karyomegalic interstitial nephritis. Identifiers: Orphanet 401996, MedGen C3553774, MONDO:0013898, OMIM 614817.
FAN1-related disorder. Also called: FAN1-related condition.
Inborn genetic diseases. Identifiers: MedGen C0950123, MeSH D030342.

Allele frequency attached by ClinVar (database versions not stated): TOPMed 0.00003; gnomAD exomes 0.00007; ESP Exome Variant Server 0.00008; gnomAD 0.00002; ExAC 0.00003.
gnomAD v4.1: 103 of 1,614,074 alleles (0.0064%); highest among the groups gnomAD compares: Non-Finnish European, 0.0086%; no homozygotes.

Submissions (3):

Fulgent Genetics
Classification: Uncertain significance for Karyomegalic interstitial nephritis. Last evaluated: 2024-03-18. Review status: criteria provided, single submitter. Criteria: ACMG Guidelines, 2015. Collection method: clinical testing. Allele origin: germline.

Ambry Genetics
Classification: Uncertain significance for Inborn genetic diseases. Last evaluated: 2024-02-05. Review status: criteria provided, single submitter. Criteria: Ambry Variant Classification Scheme 2023. Collection method: clinical testing. Allele origin: germline.

PreventionGenetics, part of Exact Sciences
Classification: Uncertain significance for FAN1-related condition. Last evaluated: 2024-03-28. Review status: no assertion criteria provided. Collection method: clinical testing. Allele origin: germline. Not counted in ClinVar's aggregate classification.
Comment: The FAN1 c.1093G>T variant is predicted to result in the amino acid substitution p.Gly365Cys. To our knowledge, this variant has not been reported in the literature. This variant is reported in 0.0044% of alleles in individuals of European (Non-Finnish) descent in gnomAD. At this time, the clinical significance of this variant is uncertain due to the absence of conclusive functional and genetic evidence.

NM_014967.5(FAN1):c.1093G>T (p.Gly365Cys)

Gene: FAN1 (FANCD2 and FANCI associated nuclease 1; plus strand). Cytogenetic location: 15q13.3.
Variant type: single nucleotide variant.
Coding change: c.1093G>T on transcript NM_014967.5 (MANE Select); coding-DNA position 1093, G replaced by T.
Protein change: p.Gly365Cys; replaces glycine 365 with cysteine.
Molecular consequence: missense variant.
Genome position (GRCh38, 1-based): chr15:30,905,756, G>T. VCF-style: chr15-30905756-G-T. GRCh37 (hg19) VCF-style: chr15-31197959-G-T.
Other names: c.1093G>T, p.Gly365Cys (NM_001146094.2, NM_001146095.1, NM_001146096.2); short protein forms G365C.
Identifiers: ClinVar variation 3092762 (VCV003092762.3), dbSNP rs370459391, ClinGen allele CA7450183.